The following is an entry in ClinVar:

ClinVar aggregate classification (germline): Uncertain significance (1 of 4 stars; one submission).

Submission:

Labcorp Genetics (formerly Invitae), Labcorp
Classification: Uncertain significance. Last evaluated: 2022-03-23. Review status: criteria provided, single submitter. Criteria: Invitae Variant Classification Sherloc (09022015). Collection method: clinical testing. Allele origin: germline.
Comment: In summary, the available evidence is currently insufficient to determine the role of this variant in disease. Therefore, it has been classified as a Variant of Uncertain Significance. Algorithms developed to predict the effect of sequence changes on RNA splicing suggest that this variant may disrupt the consensus splice site. Algorithms developed to predict the effect of missense changes on protein structure and function are either unavailable or do not agree on the potential impact of this missense change (SIFT: "Tolerated"; PolyPhen-2: "Not Available"; Align-GVGD: "Class C0"). This variant has not been reported in the literature in individuals affected with ERCC6L2-related conditions. This variant is not present in population databases (gnomAD no frequency). This sequence change replaces methionine, which is neutral and non-polar, with valine, which is neutral and non-polar, at codon 210 of the ERCC6L2 protein (p.Met210Val).

NM_020207.7(ERCC6L2):c.595A>G (p.Met199Val)

Gene: ERCC6L2 (ERCC excision repair 6 like 2; plus strand). Cytogenetic location: 9q22.32.
Variant type: single nucleotide variant.
Coding change: c.595A>G on transcript NM_020207.7 (MANE Select); coding-DNA position 595, A replaced by G.
Protein change: p.Met199Val; replaces methionine 199 with valine.
Molecular consequence: missense variant. On other transcripts: non-coding transcript variant (1).
Genome position (GRCh38, 1-based): chr9:95,907,078, A>G. VCF-style: chr9-95907078-A-G. GRCh37 (hg19) VCF-style: chr9-98669360-A-G.
Other names: c.595A>G, p.Met199Val (NM_001010895.4, NM_001375291.1, NM_001375292.1 and 2 more transcripts); short protein forms M199V.
Identifiers: ClinVar variation 2116021 (VCV002116021.4), dbSNP rs2490053079, ClinGen allele CA374120786.